The following is an entry in ClinVar:

ClinVar aggregate classification (germline): Pathogenic/Likely pathogenic. Review status: criteria provided, multiple submitters, no conflicts (2 of 4 stars). 9 submissions from 9 submitters: Pathogenic (5); Likely pathogenic (3). 1 of the submissions does not count toward it. Last evaluated 2026-01-06.

Conditions:
BCKDHB-related disorder. Also called: BCKDHB-related condition.
Maple syrup urine disease type 1A (MSUD1A). Also called: MSUD type 1A. Identifiers: MedGen C1855369, MONDO:0023691, OMIM 248600.
Maple syrup urine disease type 1B (MSUD1B). Also called: MSUD type IB; MSUD type 3 (formerly); MSUD due to deficiency of e1-beta subunit of branched-chain alpha-keto acid dehydrogenase complex. Identifiers: MedGen C2930990, MONDO:0023692, OMIM 620698.
Maple syrup urine disease (MSUD). Identifiers: Orphanet 511, MedGen C0024776, MeSH D008375, MONDO:0009563. Disease mechanism: loss of function.

Allele frequency attached by ClinVar (database versions not stated): TOPMed 0.00004; ESP Exome Variant Server 0.00008; ExAC 0.00003; gnomAD 0.00006.
gnomAD v4.1: 61 of 1,613,930 alleles (0.0038%); highest among the groups gnomAD compares: Non-Finnish European, 0.0047%; no homozygotes.

Submissions (9):

Labcorp Genetics (formerly Invitae), Labcorp
Classification: Pathogenic for Maple syrup urine disease. Last evaluated: 2026-01-06. Review status: criteria provided, single submitter. Criteria: Invitae Variant Classification Sherloc (09022015). Collection method: clinical testing. Allele origin: germline.
Comment: This sequence change replaces arginine, which is basic and polar, with histidine, which is basic and polar, at codon 170 of the BCKDHB protein (p.Arg170His). This variant is present in population databases (rs371518124, gnomAD 0.01%). This missense change has been observed in individual(s) with BCKDHB-related conditions (PMID: 22326532; internal data). ClinVar contains an entry for this variant (Variation ID: 96591). An algorithm developed to predict the effect of missense changes on protein structure and function (PolyPhen-2) suggests that this variant is likely to be disruptive. This variant disrupts the p.Arg170 amino acid residue in BCKDHB. Other variant(s) that disrupt this residue have been determined to be pathogenic (PMID: 25381949, 26453840, 27682710). This suggests that this residue is clinically significant, and that variants that disrupt this residue are likely to be disease-causing. For these reasons, this variant has been classified as Pathogenic.

Natera, Inc.
Classification: Likely pathogenic for Maple syrup urine disease type 1B. Last evaluated: 2025-10-17. Review status: criteria provided, single submitter. Criteria: Natera Variant Classification Schema (03/2026). Collection method: clinical testing. Allele origin: germline.
Comment: The c.509G>A variant in BCKDHB is a missense variant predicted to cause substitution of arginine to histidine at amino acid 170. This variant is rare in the general population with a frequency below the threshold expected for the associated phenotype(s). This variant has been observed in one or more individuals affected with the associated recessive disease, as either homozygous or compound heterozygous with a second variant (PMID: 22326532, 33300147, 39723122). A different variant at the same position has been determined to be Pathogenic or Likely Pathogenic. Computational prediction algorithms indicate this variant is likely to affect gene or protein function. Given the available evidence, this variant is classified as Likely Pathogenic.

Blueprint Genetics
Classification: Pathogenic for BCKDHB-related disorders. Last evaluated: 2024-10-15. Review status: criteria provided, single submitter. Criteria: ACMG Guidelines, 2015. Collection method: clinical testing. Allele origin: germline. Affected: yes. Observed: 4 variant alleles.

Fulgent Genetics
Classification: Likely pathogenic for Maple syrup urine disease type 1B. Last evaluated: 2024-05-09. Review status: criteria provided, single submitter. Criteria: ACMG Guidelines, 2015. Collection method: clinical testing. Allele origin: germline.

GeneDx
Classification: Likely pathogenic. Last evaluated: 2023-08-11. Review status: criteria provided, single submitter. Criteria: GeneDx Variant Classification Process June 2021. Collection method: clinical testing. Allele origin: germline. Affected: yes.
Comment: Not observed at significant frequency in large population cohorts (gnomAD); In silico analysis supports that this missense variant has a deleterious effect on protein structure/function; This variant is associated with the following publications: (PMID: 25381949, 34883003, 22326532, 33300147, 31980395)

Genome-Nilou Lab
Classification: Pathogenic for Maple syrup urine disease type 1A. Last evaluated: 2021-11-07. Review status: criteria provided, single submitter. Criteria: ACMG Guidelines, 2015. Collection method: clinical testing. Allele origin: germline. Affected: no.

Women's Health and Genetics/Laboratory Corporation of America, LabCorp
Classification: Pathogenic for Maple syrup urine disease. Last evaluated: 2021-10-14. Review status: criteria provided, single submitter. Criteria: LabCorp Variant Classification Summary - May 2015. Collection method: clinical testing. Allele origin: germline.
Comment: Variant summary: BCKDHB c.509G>A (p.Arg170His) results in a non-conservative amino acid change located in the Transketolase-like, pyrimidine-binding domain (IPR005475) of the encoded protein sequence. Five of five in-silico tools predict a damaging effect of the variant on protein function. The variant allele was found at a frequency of 3.2e-05 in 251526 control chromosomes (gnomAD and publication data). c.509G>A has been reported in the literature in multiple individuals affected with Maple Syrup Urine Disease, including two homozygotes (Wang_2012, Miryounesi_2015, Strauss_2020, OReilly_2020). These data indicate that the variant is very likely to be associated with disease. To our knowledge, no experimental evidence demonstrating an impact on protein function has been reported. Four ClinVar submitters (evaluation after 2014) cite the variant as uncertain significance (n=1) and pathogenic (n=3). Based on the evidence outlined above, the variant was classified as pathogenic.

Eurofins Ntd Llc (ga)
Classification: Pathogenic. Last evaluated: 2015-01-06. Review status: criteria provided, single submitter. Criteria: EGL Classification Definitions. Collection method: clinical testing. Allele origin: germline. Observed: 6 variant alleles, 4 heterozygotes, 2 homozygotes.

Counsyl
Classification: Uncertain significance for Maple syrup urine disease type 1A. Last evaluated: 2017-05-16. Review status: no assertion criteria provided. Collection method: clinical testing. Allele origin: unknown. Not counted in ClinVar's aggregate classification.

Literature cited by the submitters: PubMed 22326532 (cited by 4 submitters); PubMed 25381949 (cited by Labcorp Genetics (formerly Invitae), Labcorp and Women's Health and Genetics/Laboratory Corporation of America, LabCorp); PubMed 26453840 (cited by Labcorp Genetics (formerly Invitae), Labcorp); PubMed 27682710 (cited by Labcorp Genetics (formerly Invitae), Labcorp); PubMed 33300147 (cited by Natera, Inc. and Women's Health and Genetics/Laboratory Corporation of America, LabCorp); PubMed 39723122 (cited by Natera, Inc.); PubMed 31980395 (cited by Women's Health and Genetics/Laboratory Corporation of America, LabCorp); PubMed 28197878 (cited by Women's Health and Genetics/Laboratory Corporation of America, LabCorp).

NM_183050.4(BCKDHB):c.509G>A (p.Arg170His)

Gene: BCKDHB (branched chain keto acid dehydrogenase E1 subunit beta; plus strand). Cytogenetic location: 6q14.1.
Variant type: single nucleotide variant.
Coding change: c.509G>A on transcript NM_183050.4 (MANE Select); coding-DNA position 509, G replaced by A.
Protein change: p.Arg170His; replaces arginine 170 with histidine.
Molecular consequence: missense variant. On other transcripts: non-coding transcript variant (1).
Genome position (GRCh38, 1-based): chr6:80,168,906, G>A. VCF-style: chr6-80168906-G-A. GRCh37 (hg19) VCF-style: chr6-80878623-G-A.
Other names: c.509G>A, p.Arg170His (NM_000056.5); c.299G>A, p.Arg100His (NM_001318975.1); short protein forms R170H, R100H.
Identifiers: ClinVar variation 96591 (VCV000096591.28), dbSNP rs371518124, ClinGen allele CA224304.
Genomic context (GRCh38, chr6:80,168,906, plus strand): 5'-CATGCCCCGTCTTTCTTTCTGACCCTCAGATTGTTAATGAAGCTGCCAAGTATCGCTATC[G>A]CTCTGGGGATCTTTTTAACTGTGGAAGCCTCACTATCCGGTCCCCTTGGGGCTGTGTTGG-3'
Protein context (NP_898871.1, residues 160-180): IVNEAAKYRY[Arg170His]SGDLFNCGSL